The following is an entry in ClinVar:

ClinVar aggregate classification (germline): Uncertain significance. Review status: criteria provided, multiple submitters, no conflicts (2 of 4 stars). 2 submissions from 2 submitters: Uncertain significance (2). Last evaluated 2025-03-19.

Conditions:
Inborn genetic diseases. Identifiers: MedGen C0950123, MeSH D030342.

Allele frequency attached by ClinVar (database versions not stated): gnomAD exomes below 0.00001; TOPMed below 0.00001.
gnomAD v4.1: 4 of 1,602,318 alleles (0.00025%); highest among the groups gnomAD compares: Non-Finnish European, 0.00034%; no homozygotes.

Submissions (2):

GeneDx
Classification: Uncertain significance. Last evaluated: 2025-03-19. Review status: criteria provided, single submitter. Criteria: GeneDx Variant Classification Process June 2021. Collection method: clinical testing. Allele origin: germline. Affected: yes.
Comment: Not observed at significant frequency in large population cohorts (gnomAD); In silico analysis supports that this missense variant has a deleterious effect on protein structure/function; Has not been previously published as pathogenic or benign to our knowledge

Ambry Genetics
Classification: Uncertain significance for Inborn genetic diseases. Last evaluated: 2022-07-20. Review status: criteria provided, single submitter. Criteria: Ambry Variant Classification Scheme 2023. Collection method: clinical testing. Allele origin: germline.

NM_173628.4(DNAH17):c.991C>T (p.Pro331Ser)

Gene: DNAH17 (dynein axonemal heavy chain 17; minus strand). Cytogenetic location: 17q25.3.
Variant type: single nucleotide variant.
Coding change: c.991C>T on transcript NM_173628.4 (MANE Select); coding-DNA position 991, C replaced by T.
Protein change: p.Pro331Ser; replaces proline 331 with serine.
Molecular consequence: missense variant.
Genome position (GRCh38, 1-based): chr17:78,570,300, G>A on the plus strand (C>T on the coding strand, the complement: DNAH17 is on the minus strand). VCF-style: chr17-78570300-G-A. GRCh37 (hg19) VCF-style: chr17-76566382-G-A.
Other names: short protein forms P331S.
Identifiers: ClinVar variation 2227222 (VCV002227222.3), dbSNP rs1036972113, ClinGen allele CA294408874.